The following is an entry in ClinVar:

NM_031935.3(HMCN1):c.3491A>G (p.Lys1164Arg)

Gene: HMCN1 (hemicentin 1; plus strand). Cytogenetic location: 1q31.1.
Variant type: single nucleotide variant.
Coding change: c.3491A>G on transcript NM_031935.3 (MANE Select); coding-DNA position 3491, A replaced by G.
Protein change: p.Lys1164Arg; replaces lysine 1164 with arginine.
Molecular consequence: missense variant.
Genome position (GRCh38, 1-based): chr1:185,993,295, A>G. VCF-style: chr1-185993295-A-G. GRCh37 (hg19) VCF-style: chr1-185962427-A-G.
Other names: c.3491A>G (NM_031935.2); short protein forms K1164R.
Identifiers: ClinVar variation 1955353 (VCV001955353.6), dbSNP rs1273095531, ClinGen allele CA343870216.

ClinVar aggregate classification (germline): Uncertain significance. Review status: criteria provided, multiple submitters, no conflicts (2 of 4 stars). 2 submissions from 2 submitters: Uncertain significance (2). Last evaluated 2024-04-19.

Allele frequency attached by ClinVar (database versions not stated): TOPMed below 0.00001; gnomAD 0.00001; gnomAD exomes 0.00001.
gnomAD v4.1: 8 of 1,612,878 alleles (0.0005%); highest among the groups gnomAD compares: African/African-American, 0.0013%; no homozygotes.

Submissions (2):

Ambry Genetics
Classification: Uncertain significance. Last evaluated: 2024-04-19. Review status: criteria provided, single submitter. Criteria: Ambry Variant Classification Scheme 2023. Collection method: clinical testing. Allele origin: germline.

Labcorp Genetics (formerly Invitae), Labcorp
Classification: Uncertain significance. Last evaluated: 2023-07-10. Review status: criteria provided, single submitter. Criteria: Invitae Variant Classification Sherloc (09022015). Collection method: clinical testing. Allele origin: germline.
Comment: An algorithm developed to predict the effect of missense changes on protein structure and function (PolyPhen-2) suggests that this variant is likely to be tolerated. ClinVar contains an entry for this variant (Variation ID: 1955353). This variant has not been reported in the literature in individuals affected with HMCN1-related conditions. The frequency data for this variant in the population databases is considered unreliable, as metrics indicate poor data quality at this position in the gnomAD database. This sequence change replaces lysine, which is basic and polar, with arginine, which is basic and polar, at codon 1164 of the HMCN1 protein (p.Lys1164Arg). In summary, the available evidence is currently insufficient to determine the role of this variant in disease. Therefore, it has been classified as a Variant of Uncertain Significance.